The following is an entry in ClinVar:

NM_001017979.3(RAB28):c.355_356del (p.Glu119fs)

Gene: RAB28 (RAB28, member RAS oncogene family; minus strand). Cytogenetic location: 4p15.33.
Variant type: Deletion.
Coding change: c.355_356del on transcript NM_001017979.3 (MANE Select); coding-DNA positions 355 to 356, 2 bases deleted (GA; older notation c.355_356delGA).
Protein change: p.Glu119fs; shifts the reading frame from glutamic acid 119.
Molecular consequence: frameshift variant.
Genome position (GRCh38, 1-based): chr4:13,460,734-13,460,735, TC deleted on the plus strand (GA on the coding strand, the reverse complement: RAB28 is on the minus strand); deleting any 2 consecutive bases within chr4:13,460,734-13,460,736 gives the same sequence; the c. name uses the placement nearest the transcript's 3' end. VCF-style (leftmost placement, unchanged base first): chr4-13460733-TTC-T. GRCh37 (hg19) VCF-style: chr4-13462357-TTC-T.
Other names: c.355_356del, p.Glu119fs (NM_001159601.2, NM_004249.4); short protein forms E119fs.
Identifiers: ClinVar variation 623218 (VCV000623218.2), dbSNP rs1560141393, ClinGen allele CA913190201.

ClinVar aggregate classification (germline): Likely pathogenic. Review status: criteria provided, multiple submitters, no conflicts (2 of 4 stars). 2 submissions from 2 submitters: Likely pathogenic (2). Last evaluated 2018-05-11.

Conditions:
Cone-rod dystrophy 18 (CORD18). Identifiers: Orphanet 1872, MedGen C3809299, MONDO:0014153, OMIM 615374.

Submissions (2):

Molecular Diagnostics Laboratory, M Health Fairview: University of Minnesota
Classification: Likely pathogenic for Cone-rod dystrophy 18. Last evaluated: 2018-05-11. Review status: criteria provided, single submitter. Criteria: ACMG Guidelines, 2015. Collection method: clinical testing. Allele origin: germline. Affected: yes. Observed: 1 variant allele.

Neuberg Centre For Genomic Medicine, NCGM
Classification: Likely pathogenic for Cone-rod dystrophy 18. Review status: criteria provided, single submitter. Criteria: ACMG Guidelines, 2015. Collection method: clinical testing. Allele origin: germline. Inheritance: Autosomal recessive inheritance. Affected: yes.
Comment: The frame shift c.355_356delp.Glu119AsnfsTer11 variant in RAB28 gene has not been reported previously as a pathogenic variant nor as a benign variant, to our knowledge. The p.Glu119AsnfsTer11 variant is novel not in any individuals in gnomAD Exomes and 1000 Genomes. This variant has been reported to the ClinVar database as Likely Pathogenic. This variant causes a frameshift starting with codon Glutamic Acid 119, changes this amino acid to Asparagine residue, and creates a premature Stop codon at position 11 of the new reading frame, denoted p.Glu119AsnfsTer11. . This variant is predicted to cause loss of normal protein function through protein truncation. Loss of function variants have been previously reported to be disease causing. For these reasons, this variant has been classified as Likely Pathogenic.